The following is an entry in ClinVar:

ClinVar aggregate classification (germline): Conflicting classifications of pathogenicity. Review status: criteria provided, conflicting classifications (1 of 4 stars). 2 submissions from 2 submitters: Uncertain significance (1); Likely benign (1). Last evaluated 2025-02-02.

Conditions:
Inborn genetic diseases. Identifiers: MedGen C0950123, MeSH D030342.

gnomAD v4.1: 1 of 1,606,024 alleles (0.000062%); highest among the groups gnomAD compares: South Asian, 0.0011%; no homozygotes.

Submissions (2):

Ambry Genetics
Classification: Likely benign for Inborn genetic diseases. Last evaluated: 2025-02-02. Review status: criteria provided, single submitter. Criteria: Ambry Variant Classification Scheme 2023. Collection method: clinical testing. Allele origin: germline.

Quest Diagnostics Nichols Institute San Juan Capistrano
Classification: Uncertain significance. Last evaluated: 2024-12-06. Review status: criteria provided, single submitter. Criteria: Quest Diagnostics criteria. Collection method: clinical testing. Allele origin: unknown.
Comment: The FANCM c.4404T>C (p.Ser1468=) synonymous variant has not been reported in individuals with FANCM-related conditions in the published literature. The frequency of this variant in the general population (Genome Aggregation Database) is uninformative in the assessment of its pathogenicity. Analysis of this variant using software algorithms for the prediction of the effect of nucleotide changes on splicing yielded predictions that this variant does not affect FANCM mRNA splicing. Based on the available information, we are unable to determine the clinical significance of this variant.

NM_020937.4(FANCM):c.4404T>C (p.Ser1468=)

Gene: FANCM (FA complementation group M; plus strand). Cytogenetic location: 14q21.2.
Variant type: single nucleotide variant.
Coding change: c.4404T>C on transcript NM_020937.4 (MANE Select); coding-DNA position 4404, T replaced by C.
Protein change: p.Ser1468=; no amino-acid change (serine 1468 retained).
Molecular consequence: synonymous variant.
Genome position (GRCh38, 1-based): chr14:45,183,791, T>C. VCF-style: chr14-45183791-T-C. GRCh37 (hg19) VCF-style: chr14-45652994-T-C.
Other names: c.4326T>C, p.Ser1442= (NM_001308133.2).
Identifiers: ClinVar variation 3572293 (VCV003572293.3).